The following is an entry in ClinVar:

NM_005585.5(SMAD6):c.1324G>T (p.Glu442Ter)

Gene: SMAD6 (SMAD family member 6; plus strand). Cytogenetic location: 15q22.31.
Variant type: single nucleotide variant.
Coding change: c.1324G>T on transcript NM_005585.5 (MANE Select); coding-DNA position 1324, G replaced by T.
Protein change: p.Glu442Ter; replaces glutamic acid 442 with a stop codon.
Molecular consequence: nonsense. On other transcripts: non-coding transcript variant (1).
Genome position (GRCh38, 1-based): chr15:66,781,368, G>T. VCF-style: chr15-66781368-G-T. GRCh37 (hg19) VCF-style: chr15-67073706-G-T.
Other names: c.1324G>T (NM_005585.4); short protein forms E442*.
Identifiers: ClinVar variation 1174582 (VCV001174582.3), dbSNP rs778302338, ClinGen allele CA393202306.
Genomic context (GRCh38, chr15:66,781,368, plus strand): 5'-GGCCGCGCCCTGGTCGTGCGCAAGGTGCCCCCCGGCTACTCCATCAAGGTGTTCGACTTC[G>T]AGCGCTCGGGCCTGCAGCACGCGCCCGAGCCCGACGCCGCCGACGGCCCCTACGACCCCA-3'

ClinVar aggregate classification (germline): Uncertain significance. Review status: criteria provided, single submitter (1 of 4 stars). 2 submissions from 2 submitters: Uncertain significance (1). 1 of the submissions does not count toward it. Last evaluated 2025-10-22.

Conditions:
Inborn genetic diseases. Identifiers: MedGen C0950123, MeSH D030342.
Radioulnar synostosis. Also called: Congenital radioulnar synostosis. Identifiers: Orphanet 3269, MedGen C0158761, MONDO:0017985, HP:0002974.

Submissions (2):

Ambry Genetics
Classification: Uncertain significance for Inborn genetic diseases. Last evaluated: 2025-10-22. Review status: criteria provided, single submitter. Criteria: Ambry Variant Classification Scheme 2023. Collection method: clinical testing. Allele origin: germline.
Comment: The c.1324G>T (p.E442*) alteration, located in exon 4 (coding exon 4) of the SMAD6 gene, consists of a G to T substitution at nucleotide position 1324. This changes the amino acid from a glutamic acid (E) to a stop codon at amino acid position 442. This variant is not expected to trigger nonsense-mediated mRNA decay, and impacts the last 11% of the protein. The exact functional effect of this alteration is unknown. for Autosomal Recessive SMAD6 deficiency and Autosomal Dominant SMAD6-related disorders. This variant was not reported in population-based cohorts in the Genome Aggregation Database (gnomAD). This variant has been identified in the homozygous state and/or in conjunction with other SMAD6 variant(s) in individual(s) with features consistent with SMAD6-related disorders (Meng, 2017). Based on insufficient or conflicting evidence, the clinical significance of this alteration remains unclear.

The Laboratory of Genetics and Metabolism, Hunan Children’s Hospital
Classification: Pathogenic for Radioulnar synostosis. Last evaluated: 2020-06-20. Review status: no assertion criteria provided. Collection method: research. Allele origin: maternal. Affected: yes. Not counted in ClinVar's aggregate classification.

Literature cited by the submitters: PubMed 28973083 (cited by Ambry Genetics).